The following is an entry in ClinVar:

NM_007194.4(CHEK2):c.856A>G (p.Ile286Val)

Gene: CHEK2 (checkpoint kinase 2; minus strand). Cytogenetic location: 22q12.1.
Variant type: single nucleotide variant.
Coding change: c.856A>G on transcript NM_007194.4 (MANE Select); coding-DNA position 856, A replaced by G.
Protein change: p.Ile286Val; replaces isoleucine 286 with valine.
Molecular consequence: missense variant.
Genome position (GRCh38, 1-based): chr22:28,703,557, T>C on the plus strand (A>G on the coding strand, the complement: CHEK2 is on the minus strand). VCF-style: chr22-28703557-T-C. GRCh37 (hg19) VCF-style: chr22-29099545-T-C.
Other names: c.985A>G, p.Ile329Val (NM_001005735.3); c.193A>G, p.Ile65Val (NM_001257387.3); c.655A>G, p.Ile219Val (NM_001349956.3); c.856A>G, p.Ile286Val (NM_145862.3); short protein forms I286V, I219V, I329V, I65V.
Identifiers: ClinVar variation 419007 (VCV000419007.27), dbSNP rs986132746, ClinGen allele CA16621067.

ClinVar aggregate classification (germline): Uncertain significance. Review status: criteria provided, multiple submitters, no conflicts (2 of 4 stars). 6 submissions from 6 submitters: Uncertain significance (6). Last evaluated 2025-09-14.

Conditions:
Hereditary cancer-predisposing syndrome. Also called: Hereditary neoplastic syndrome; Tumor predisposition; Neoplastic Syndromes, Hereditary; Hereditary Cancer Syndrome. Identifiers: Orphanet 140162, MedGen C0027672, MeSH D009386, MONDO:0015356.
Familial cancer of breast. Also called: Hereditary breast cancer; BREAST CANCER, FAMILIAL; hereditary breast carcinoma. Identifiers: Orphanet 227535, MedGen C0346153, MONDO:0016419, OMIM 114480. Disease mechanism: loss of function.

Allele frequency attached by ClinVar (database versions not stated): gnomAD exomes below 0.00001; TOPMed below 0.00001.
gnomAD v4.1: 1 of 1,560,500 alleles (0.000064%); highest among the groups gnomAD compares: Middle Eastern, 0.017%; no homozygotes.

Submissions (6):

Labcorp Genetics (formerly Invitae), Labcorp
Classification: Uncertain significance for Familial cancer of breast. Last evaluated: 2025-09-14. Review status: criteria provided, single submitter. Criteria: Invitae Variant Classification Sherloc (09022015). Collection method: clinical testing. Allele origin: germline.
Comment: This sequence change replaces isoleucine, which is neutral and non-polar, with valine, which is neutral and non-polar, at codon 286 of the CHEK2 protein (p.Ile286Val). This variant is not present in population databases (gnomAD no frequency). This variant has not been reported in the literature in individuals affected with CHEK2-related conditions. ClinVar contains an entry for this variant (Variation ID: 419007). An algorithm developed to predict the effect of missense changes on protein structure and function (PolyPhen-2) suggests that this variant is likely to be tolerated. Experimental studies are conflicting or provide insufficient evidence to determine the effect of this variant on CHEK2 function (PMID: 37449874). In summary, the available evidence is currently insufficient to determine the role of this variant in disease. Therefore, it has been classified as a Variant of Uncertain Significance.

Quest Diagnostics Nichols Institute San Juan Capistrano
Classification: Uncertain significance. Last evaluated: 2025-07-10. Review status: criteria provided, single submitter. Criteria: Quest Diagnostics criteria. Collection method: clinical testing. Allele origin: unknown.
Comment: The CHEK2 c.856A>G (p.Ile286Val) variant has been reported in the published literature to have wildtype-like CHEK2 autophosphorylation activity and intermediate KAP1 phosphorylation activity (PMID: 37449874 (2023)). This variant has not been reported in large, multi-ethnic general populations (Genome Aggregation Database). Analysis of this variant using bioinformatics tools for the prediction of the effect of amino acid changes on protein structure and function yielded predictions that this variant is benign. Based on the available information, we are unable to determine the clinical significance of this variant.

Color Diagnostics, LLC DBA Color Health
Classification: Uncertain significance for Hereditary cancer-predisposing syndrome. Last evaluated: 2025-04-14. Review status: criteria provided, single submitter. Criteria: ACMG Guidelines, 2015. Collection method: clinical testing. Allele origin: germline.
Comment: This missense variant replaces isoleucine with valine at codon 286 of the CHEK2 protein. Computational prediction suggests that this variant may not impact protein structure and function. In a human cell complementation assay, this variant did not impact CHEK2 autophosphorylation and had intermediate KAP1 phosphorylation activity (PMID: 37449874). This variant has been reported in an individual affected with breast cancer (PMID: 37449874). This variant has not been identified in the general population by the Genome Aggregation Database (gnomAD). The available evidence is insufficient to determine the role of this variant in disease conclusively. Therefore, this variant is classified as a Variant of Uncertain Significance.

Ambry Genetics
Classification: Uncertain significance for Hereditary cancer-predisposing syndrome. Last evaluated: 2025-01-30. Review status: criteria provided, single submitter. Criteria: Ambry Variant Classification Scheme 2023. Collection method: clinical testing. Allele origin: germline.
Comment: The p.I286V variant (also known as c.856A>G), located in coding exon 7 of the CHEK2 gene, results from an A to G substitution at nucleotide position 856. The isoleucine at codon 286 is replaced by valine, an amino acid with highly similar properties. This variant was reported as functional in a study assessing CHEK2-complementation through quantification of KAP1 phosphorylation and CHK2 autophosphorylation in human RPE1-CHEK2-knockout cells (Stolarova L et al. Clin Cancer Res, 2023 Aug;29:3037-3050). This amino acid position is highly conserved in available vertebrate species. In addition, this alteration is predicted to be tolerated by in silico analysis. Based on the available evidence, the clinical significance of this variant remains unclear.

GeneDx
Classification: Uncertain significance. Last evaluated: 2024-05-31. Review status: criteria provided, single submitter. Criteria: GeneDx Variant Classification Process June 2021. Collection method: clinical testing. Allele origin: germline. Affected: yes.
Comment: Not observed at significant frequency in large population cohorts (gnomAD); In silico analysis indicates that this missense variant does not alter protein structure/function; Published functional studies demonstrate intermediate kinase activity against KAP1 and Chk2-autophosphorylation comparable to wild-type in human cell-based assays (PMID: 37449874); This variant is associated with the following publications: (PMID: 22419737, 19782031, 37449874)

Baylor Genetics
Classification: Uncertain significance for Familial cancer of breast. Last evaluated: 2023-09-18. Review status: criteria provided, single submitter. Criteria: ACMG Guidelines, 2015. Collection method: clinical testing. Allele origin: unknown.

Literature cited by the submitters: PubMed 37449874 (cited by 4 submitters).